The following is an entry in ClinVar:

ClinVar aggregate classification (germline): Uncertain significance (1 of 4 stars; one submission).

Conditions:
Primary dilated cardiomyopathy (DCM). Also called: Dilated Cardiomyopathy. Identifiers: Orphanet 217604, MedGen C0007193, MeSH D002311, MONDO:0005021, HP:0001644. Inheritance: Various modes of inheritance.

Allele frequency attached by ClinVar (database versions not stated): gnomAD exomes below 0.00001; gnomAD 0.00001; TOPMed 0.00001.

Submission:

Labcorp Genetics (formerly Invitae), Labcorp
Classification: Uncertain significance for Primary dilated cardiomyopathy. Last evaluated: 2022-01-05. Review status: criteria provided, single submitter. Criteria: Invitae Variant Classification Sherloc (09022015). Collection method: clinical testing. Allele origin: germline.
Comment: In summary, the available evidence is currently insufficient to determine the role of this variant in disease. Therefore, it has been classified as a Variant of Uncertain Significance. Algorithms developed to predict the effect of missense changes on protein structure and function (SIFT, PolyPhen-2, Align-GVGD) all suggest that this variant is likely to be tolerated. ClinVar contains an entry for this variant (Variation ID: 953660). This variant has not been reported in the literature in individuals affected with NEBL-related conditions. The frequency data for this variant in the population databases is considered unreliable, as metrics indicate poor data quality at this position in the gnomAD database. This sequence change replaces alanine, which is neutral and non-polar, with threonine, which is neutral and polar, at codon 481 of the NEBL protein (p.Ala481Thr).

NM_006393.3(NEBL):c.1441G>A (p.Ala481Thr)

Gene: NEBL (nebulette; minus strand). Cytogenetic location: 10p12.31.
Variant type: single nucleotide variant.
Coding change: c.1441G>A on transcript NM_006393.3 (MANE Select); coding-DNA position 1441, G replaced by A.
Protein change: p.Ala481Thr; replaces alanine 481 with threonine.
Molecular consequence: missense variant. On other transcripts: intron variant (9).
Genome position (GRCh38, 1-based): chr10:20,835,521, C>T on the plus strand (G>A on the coding strand, the complement: NEBL is on the minus strand). VCF-style: chr10-20835521-C-T. GRCh37 (hg19) VCF-style: chr10-21124450-C-T.
Other names: c.250-22581G>A (NM_001377326.1, NM_001377327.1, NM_001377328.1); c.358-22581G>A (NM_213569.2, NM_001173484.2, NM_001377322.1); c.301-22581G>A (NM_001377324.1); c.292-22581G>A (NM_001377325.1); c.310-22581G>A (NM_001377323.1); short protein forms A481T.
Identifiers: ClinVar variation 953660 (VCV000953660.10), dbSNP rs1291010559, ClinGen allele CA376098181.